The following is an entry in ClinVar:

ClinVar aggregate classification (germline): Uncertain significance (1 of 4 stars; one submission).

Conditions:
Cardiovascular phenotype. Identifiers: MedGen CN230736.

gnomAD v4.1: 7 of 1,613,290 alleles (0.00043%); highest among the groups gnomAD compares: Middle Eastern, 0.016%; no homozygotes.

Submission:

Ambry Genetics
Classification: Uncertain significance for Cardiovascular phenotype. Last evaluated: 2026-06-14. Review status: criteria provided, single submitter. Criteria: Ambry Variant Classification Scheme 2023. Collection method: clinical testing. Allele origin: germline.
Comment: The p.K1344E variant (also known as c.4030A>G), located in coding exon 29 of the LAMA4 gene, results from an A to G substitution at nucleotide position 4030. The lysine at codon 1344 is replaced by glutamic acid, an amino acid with similar properties. This amino acid position is conserved. In addition, this alteration is predicted to be tolerated by in silico analysis. Based on the available evidence, the clinical significance of this variant remains unclear.

NM_001105206.3(LAMA4):c.4051A>G (p.Lys1351Glu)

Gene: LAMA4 (laminin subunit alpha 4; minus strand). Cytogenetic location: 6q21.
Variant type: single nucleotide variant.
Coding change: c.4051A>G on transcript NM_001105206.3 (MANE Select); coding-DNA position 4051, A replaced by G.
Protein change: p.Lys1351Glu; replaces lysine 1351 with glutamic acid.
Molecular consequence: missense variant.
Genome position (GRCh38, 1-based): chr6:112,129,958, T>C on the plus strand (A>G on the coding strand, the complement: LAMA4 is on the minus strand). VCF-style: chr6-112129958-T-C. GRCh37 (hg19) VCF-style: chr6-112451160-T-C.
Other names: c.4030A>G, p.Lys1344Glu (NM_001105207.3, NM_002290.5); short protein forms K1344E, K1351E.
Identifiers: ClinVar variation 4859107 (VCV004859107.1).